The following is an entry in ClinVar:

NM_005120.3(MED12):c.3691+5G>A

Gene: MED12 (mediator complex subunit 12; plus strand). Cytogenetic location: Xq13.1.
Variant type: single nucleotide variant.
Coding change: c.3691+5G>A on transcript NM_005120.3 (MANE Select); 5 bases into the intron after coding-DNA position 3691, G replaced by A.
Molecular consequence: intron variant.
Genome position (GRCh38, 1-based): chrX:71,129,434, G>A. VCF-style: chrX-71129434-G-A. GRCh37 (hg19) VCF-style: chrX-70349284-G-A.
Other names: c.3691+5G>A (NM_005120.2).
Identifiers: ClinVar variation 1297574 (VCV001297574.6), dbSNP rs2147806182, ClinGen allele CA2499226840.
Genomic context (GRCh38, chrX:71,129,434, plus strand): 5'-GAACCGCATCGTGGATGGAGCCGTGTTTGCTGTTCTCAAGGCTGTGTTTGTACTTGGTAC[G>A]GGGGTAGGAAGGGAGTGGTGCCAGAAGTGTGTATAGGGTGGAGTGCCAGCTAAACTACAA-3'

ClinVar aggregate classification (germline): Uncertain significance. Review status: criteria provided, single submitter (1 of 4 stars). 3 submissions from 3 submitters: Uncertain significance (1). 2 of the submissions do not count toward it. Last evaluated 2022-04-01.

Conditions:
Familial thoracic aortic aneurysm and aortic dissection (TAAD). Also called: Thoracic aortic aneurysms and dissections. Identifiers: Orphanet 91387, MedGen C4707243, MONDO:0019625.

Submissions (3):

Ambry Genetics
Classification: Uncertain significance for Familial thoracic aortic aneurysm and aortic dissection. Last evaluated: 2022-04-01. Review status: criteria provided, single submitter. Criteria: Ambry Variant Classification Scheme 2023. Collection method: clinical testing. Allele origin: germline.
Comment: The c.3691+5G>A intronic alteration results from a G to A substitution 5 nucleotides after coding exon 26 of the MED12 gene. This variant was not reported in population-based cohorts in the Genome Aggregation Database (gnomAD). This nucleotide position is highly conserved in available vertebrate species. In silico splice site analysis predicts that this alteration may weaken the native splice donor site. Based on insufficient or conflicting evidence, the clinical significance of this alteration remains unclear.

Clinical Genetics DNA and cytogenetics Diagnostics Lab, Erasmus MC, Erasmus Medical Center
Classification: Uncertain significance. Review status: no assertion criteria provided. Collection method: clinical testing. Allele origin: germline. Affected: yes. Study: VKGL Data-share Consensus. Not counted in ClinVar's aggregate classification.

Joint Genome Diagnostic Labs from Nijmegen and Maastricht, Radboudumc and MUMC+
Classification: Uncertain significance. Review status: no assertion criteria provided. Collection method: clinical testing. Allele origin: germline. Affected: yes. Study: VKGL Data-share Consensus. Not counted in ClinVar's aggregate classification.